The following is an entry in ClinVar:

NM_001100913.3(PACS2):c.423+3G>A

Gene: PACS2 (phosphofurin acidic cluster sorting protein 2; plus strand). Cytogenetic location: 14q32.33.
Variant type: single nucleotide variant.
Coding change: c.423+3G>A on transcript NM_001100913.3 (MANE Select); 3 bases into the intron after coding-DNA position 423, G replaced by A.
Molecular consequence: intron variant.
Genome position (GRCh38, 1-based): chr14:105,355,180, G>A. VCF-style: chr14-105355180-G-A. GRCh37 (hg19) VCF-style: chr14-105821517-G-A.
Other names: c.222+3G>A (NM_001243127.3); c.423+3G>A (NM_015197.4).
Identifiers: ClinVar variation 1487490 (VCV001487490.6), dbSNP rs1555405118, ClinGen allele CA616269883.
Genomic context (GRCh38, chr14:105,355,180, plus strand): 5'-GAACAGAACCATCCTGGGCTACAAGACGCTGGCCGCGGGCTCCATCAGCATGGCTGAGGT[G>A]AGTGCTCCGTCTGGCGTGGCCTGCGTCGGGCTGGCCACCTGGGTGCCAGAGCATTCGCCC-3'

ClinVar aggregate classification (germline): Uncertain significance (1 of 4 stars; one submission).

Allele frequency attached by ClinVar (database versions not stated): gnomAD exomes below 0.00001.
gnomAD v4.1: 1 of 1,612,834 alleles (0.000062%); highest among the groups gnomAD compares: Non-Finnish European, 0.000085%; no homozygotes.

Submission:

Labcorp Genetics (formerly Invitae), Labcorp
Classification: Uncertain significance. Last evaluated: 2025-02-24. Review status: criteria provided, single submitter. Criteria: Invitae Variant Classification Sherloc (09022015). Collection method: clinical testing. Allele origin: germline.
Comment: This sequence change falls in intron 4 of the PACS2 gene. It does not directly change the encoded amino acid sequence of the PACS2 protein. It affects a nucleotide within the consensus splice site. This variant is present in population databases (no rsID available, gnomAD 0.0009%). This variant has not been reported in the literature in individuals affected with PACS2-related conditions. ClinVar contains an entry for this variant (Variation ID: 1487490). Variants that disrupt the consensus splice site are a relatively common cause of aberrant splicing (PMID: 17576681, 9536098). Algorithms developed to predict the effect of sequence changes on RNA splicing suggest that this variant is not likely to affect RNA splicing. In summary, the available evidence is currently insufficient to determine the role of this variant in disease. Therefore, it has been classified as a Variant of Uncertain Significance.

Literature cited by the submitters: PubMed 17576681; PubMed 9536098.